The following is an entry in ClinVar:

NM_000038.6(APC):c.1408+2167A>T

Gene: APC (APC regulator of WNT signaling pathway; plus strand). Cytogenetic location: 5q22.2.
Variant type: single nucleotide variant.
Coding change: c.1408+2167A>T on transcript NM_000038.6 (MANE Select); 2167 bases into the intron after coding-DNA position 1408, A replaced by T.
Molecular consequence: intron variant.
Genome position (GRCh38, 1-based): chr5:112,824,158, A>T. VCF-style: chr5-112824158-A-T. GRCh37 (hg19) VCF-style: chr5-112159855-A-T.
Other names: c.1408+2167A>T (NM_001354895.2, NM_001127510.3); c.1438+2167A>T (NM_001354897.2); c.1135+2167A>T (NM_001354902.2); c.1354+2167A>T (NM_001127511.3); c.1333+2167A>T (NM_001354898.2); c.1030+2167A>T (NM_001354904.2); c.559+2167A>T (NM_001354906.2); c.1462+798A>T (NM_001354896.2); and 5 more.
Identifiers: ClinVar variation 82576 (VCV000082576.2), dbSNP rs76823257, ClinGen allele CA004934.

ClinVar aggregate classification (germline): other (0 of 4 stars; one submission).

Conditions:
Familial colorectal cancer. Identifiers: MedGen CN280943, MONDO:0023113. Disease mechanism: loss of function.

Submission:

Systems Biology Platform Zhejiang California International NanoSystems Institute
Classification: other for Familial colorectal cancer. Review status: no assertion criteria provided. Collection method: not provided. Allele origin: unknown.
ClinVar note: Converted during submission from cancer to other.